The following is an entry in ClinVar:

ClinVar aggregate classification (germline): Likely benign (1 of 4 stars; one submission).

Allele frequency attached by ClinVar (database versions not stated): 1000 Genomes Project 0.00439; ESP Exome Variant Server 0.00447; 1000 Genomes Project 30x 0.00468; gnomAD exomes 0.00602; ExAC 0.00675.
gnomAD v4.1: 9,140 of 1,530,922 alleles (0.6%); highest among the groups gnomAD compares: Middle Eastern, 1.6%; 36 homozygotes.

Submission:

CeGaT Center for Human Genetics Tuebingen
Classification: Likely benign. Last evaluated: 2022-12-01. Review status: criteria provided, single submitter. Criteria: CeGaT Center For Human Genetics Tuebingen Variant Classification Criteria Version 2. Collection method: clinical testing. Allele origin: germline. Affected: yes. Observed: 1 variant allele.
Comment: OR4C46: BS2

NM_001004703.1(OR4C46):c.910G>A (p.Asp304Asn)

Gene: OR4C46 (olfactory receptor family 4 subfamily C member 46; minus strand). Cytogenetic location: 11q11.
Variant type: single nucleotide variant.
Coding change: c.910G>A on transcript NM_001004703.1 (MANE Select); coding-DNA position 910, G replaced by A.
Protein change: p.Asp304Asn; replaces aspartic acid 304 with asparagine.
Molecular consequence: missense variant.
Genome position (GRCh38, 1-based): chr11:54,603,089, C>T on the plus strand (G>A on the coding strand, the complement: OR4C46 is on the minus strand). VCF-style: chr11-54603089-C-T. GRCh37 (hg19) VCF-style: chr11-51516191-G-A.
Other names: short protein forms D304N.
Identifiers: ClinVar variation 2641785 (VCV002641785.24), dbSNP rs140000110, ClinGen allele CA5989188.